The following is an entry in ClinVar:

NM_000540.3(RYR1):c.5011G>A (p.Ala1671Thr)

Gene: RYR1 (ryanodine receptor 1; plus strand). Cytogenetic location: 19q13.2.
Variant type: single nucleotide variant.
Coding change: c.5011G>A on transcript NM_000540.3 (MANE Select); coding-DNA position 5011, G replaced by A.
Protein change: p.Ala1671Thr; replaces alanine 1671 with threonine.
Molecular consequence: missense variant.
Genome position (GRCh38, 1-based): chr19:38,485,666, G>A. VCF-style: chr19-38485666-G-A. GRCh37 (hg19) VCF-style: chr19-38976306-G-A.
Other names: c.5011G>A, p.Ala1671Thr (NM_001042723.2); short protein forms A1671T.
Identifiers: ClinVar variation 478235 (VCV000478235.8), dbSNP rs1316064829, ClinGen allele CA405653049.

ClinVar aggregate classification (germline): Uncertain significance. Review status: criteria provided, multiple submitters, no conflicts (2 of 4 stars). 2 submissions from 2 submitters: Uncertain significance (2). Last evaluated 2025-08-10.

Conditions:
RYR1-related disorder. Also called: RYR1-related condition; RYR1-related disorders. Identifiers: MedGen CN239331.

Submissions (2):

Labcorp Genetics (formerly Invitae), Labcorp
Classification: Uncertain significance for RYR1-related disorder. Last evaluated: 2025-08-10. Review status: criteria provided, single submitter. Criteria: Invitae Variant Classification Sherloc (09022015). Collection method: clinical testing. Allele origin: germline.
Comment: This sequence change replaces alanine, which is neutral and non-polar, with threonine, which is neutral and polar, at codon 1671 of the RYR1 protein (p.Ala1671Thr). This variant is not present in population databases (gnomAD no frequency). This missense change has been observed in individual(s) with a history of a clinical malignant hyperthermia episode and a positive in vitro contracture test (PMID: 24433488). ClinVar contains an entry for this variant (Variation ID: 478235). Invitae Evidence Modeling of protein sequence and biophysical properties (such as structural, functional, and spatial information, amino acid conservation, physicochemical variation, residue mobility, and thermodynamic stability) indicates that this missense variant is not expected to disrupt RYR1 protein function with a negative predictive value of 80%. Experimental studies have shown that this missense change affects RYR1 function (PMID: 24433488). In summary, the available evidence is currently insufficient to determine the role of this variant in disease. Therefore, it has been classified as a Variant of Uncertain Significance.

Mendelics
Classification: Uncertain significance. Last evaluated: 2022-05-04. Review status: criteria provided, single submitter. Criteria: Mendelics Assertion Criteria 2019. Collection method: clinical testing. Allele origin: germline.

Literature cited by the submitters: PubMed 24433488 (cited by Labcorp Genetics (formerly Invitae), Labcorp).